The following is an entry in ClinVar:

NM_001035.3(RYR2):c.9619A>G (p.Asn3207Asp)

Gene: RYR2 (ryanodine receptor 2; plus strand). Cytogenetic location: 1q43.
Variant type: single nucleotide variant.
Coding change: c.9619A>G on transcript NM_001035.3 (MANE Select); coding-DNA position 9619, A replaced by G.
Protein change: p.Asn3207Asp; replaces asparagine 3207 with aspartic acid.
Molecular consequence: missense variant.
Genome position (GRCh38, 1-based): chr1:237,706,987, A>G. VCF-style: chr1-237706987-A-G. GRCh37 (hg19) VCF-style: chr1-237870287-A-G.
Other names: p.N3207D:AAC>GAC; short protein forms N3207D.
Identifiers: ClinVar variation 178123 (VCV000178123.34), dbSNP rs372601642, ClinGen allele CA011262.

ClinVar aggregate classification (germline): Conflicting classifications of pathogenicity. Review status: criteria provided, conflicting classifications (1 of 4 stars). 9 submissions from 8 submitters: Uncertain significance (6); Likely benign (3). Last evaluated 2026-02-04.

Conditions:
Cardiovascular phenotype. Identifiers: MedGen CN230736.
Catecholaminergic polymorphic ventricular tachycardia (CVPT). Also called: Catecholamine-induced polymorphic ventricular tachycardia. Identifiers: Orphanet 3286, MedGen C5574922, MONDO:0017990.
Cardiomyopathy (CMYO). Also called: Cardiomyopathies. Identifiers: Orphanet 167848, MedGen C0878544, MONDO:0004994, HP:0001638. Inheritance: Various modes of inheritance.
Catecholaminergic polymorphic ventricular tachycardia 1. Also called: VENTRICULAR TACHYCARDIA, STRESS-INDUCED POLYMORPHIC 1; RYR2-Related Catecholaminergic Polymorphic Ventricular Tachycardia; VENTRICULAR TACHYCARDIA, CATECHOLAMINERGIC POLYMORPHIC, 1, WITH OR WITHOUT ATRIAL DYSFUNCTION AND/OR DILATED CARDIOMYOPATHY. Identifiers: Orphanet 3286, MedGen C1631597, MONDO:0011484, OMIM 604772.
Arrhythmogenic right ventricular dysplasia 2. Identifiers: MedGen C1832931.

Allele frequency attached by ClinVar (database versions not stated): ESP Exome Variant Server 0.00008; gnomAD 0.00008 and 0.00007; ExAC 0.00003; gnomAD exomes 0.00004 and 0.00003; TOPMed 0.00004.
gnomAD v4.1: 55 of 1,613,744 alleles (0.0034%); highest among the groups gnomAD compares: Non-Finnish European, 0.0037%; no homozygotes.

Submissions (9):

Labcorp Genetics (formerly Invitae), Labcorp
Classification: Likely benign for Catecholaminergic polymorphic ventricular tachycardia 1. Last evaluated: 2026-02-04. Review status: criteria provided, single submitter. Criteria: Invitae Variant Classification Sherloc (09022015). Collection method: clinical testing. Allele origin: germline.

All of Us Research Program, National Institutes of Health
Classification: Uncertain significance for Catecholaminergic polymorphic ventricular tachycardia. Last evaluated: 2024-04-16. Review status: criteria provided, single submitter. Criteria: ACMG Guidelines, 2015. Collection method: clinical testing. Allele origin: germline. Inheritance: Autosomal dominant inheritance. Observed: 17 variant alleles, 17 heterozygotes.
Comment: This missense variant replaces asparagine with aspartic acid at codon 3207 of the RYR2 protein. Computational prediction suggests that this variant may not impact protein structure and function (internally defined REVEL score threshold <= 0.5, PMID: 27666373). To our knowledge, functional studies have not been reported for this variant. This variant has been reported in an individual affected with sudden explained death (PMID: 26272908) and in another individual affected with sudden cardiac arrest and Brugada syndrome (PMID: 33652119). This variant has been identified in 14/280404 chromosomes in the general population by the Genome Aggregation Database (gnomAD). The available evidence is insufficient to determine the role of this variant in disease conclusively. Therefore, this variant is classified as a Variant of Uncertain Significance.

This study involves interpretation of variants in research participants for the purpose of population health screening. Participant phenotype was not available at the time of variant classification. Additional details can be found in publication PMID: 35346344, PMCID: PMC8962531

Color Diagnostics, LLC DBA Color Health
Classification: Uncertain significance for Cardiomyopathy. Last evaluated: 2024-02-05. Review status: criteria provided, single submitter. Criteria: ACMG Guidelines, 2015. Collection method: clinical testing. Allele origin: germline.
Comment: This missense variant replaces asparagine with aspartic acid at codon 3207 of the RYR2 protein. Computational prediction suggests that this variant may not impact protein structure and function (internally defined REVEL score threshold <= 0.5, PMID: 27666373). To our knowledge, functional studies have not been reported for this variant. This variant has been reported in an individual affected with sudden explained death (PMID: 26272908) and in an individual affected with sudden cardiac arrest and Brugada syndrome (PMID: 33652119). This variant has been identified in 14/280404 chromosomes in the general population by the Genome Aggregation Database (gnomAD). The available evidence is insufficient to determine the role of this variant in disease conclusively. Therefore, this variant is classified as a Variant of Uncertain Significance.

Ambry Genetics
Classification: Likely benign for Cardiovascular phenotype. Last evaluated: 2023-03-01. Review status: criteria provided, single submitter. Criteria: Ambry Variant Classification Scheme 2023. Collection method: clinical testing. Allele origin: germline.

Illumina Laboratory Services, Illumina
Classification: Uncertain significance for Catecholaminergic polymorphic ventricular tachycardia 1. Last evaluated: 2018-01-13. Review status: criteria provided, single submitter. Criteria: ICSL Variant Classification Criteria 13 December 2019. Collection method: clinical testing. Allele origin: germline.

Illumina Laboratory Services, Illumina
Classification: Uncertain significance for Catecholaminergic polymorphic ventricular tachycardia 1. Last evaluated: 2018-01-13. Review status: criteria provided, single submitter. Criteria: ICSL Variant Classification Criteria 13 December 2019. Collection method: clinical testing. Allele origin: germline.

GeneDx
Classification: Likely benign. Last evaluated: 2014-03-12. Review status: criteria provided, single submitter. Criteria: GeneDx Variant Classification (06012015). Collection method: clinical testing. Allele origin: germline. Affected: yes.
Comment: This variant is considered likely benign or benign based on one or more of the following criteria: it is a conservative change, it occurs at a poorly conserved position in the protein, it is predicted to be benign by multiple in silico algorithms, and/or has population frequency not consistent with disease.

Stanford Center for Inherited Cardiovascular Disease, Stanford University
Classification: Uncertain significance. Last evaluated: 2013-11-13. Review status: criteria provided, single submitter. Criteria: ACMG Guidelines, 2015. Collection method: provider interpretation. Allele origin: germline.

Laboratory for Molecular Medicine, Mass General Brigham Personalized Medicine
Classification: Uncertain significance. Last evaluated: 2013-07-29. Review status: criteria provided, single submitter. Criteria: LMM Criteria. Collection method: clinical testing. Allele origin: germline. Observed: 1 variant allele.
Comment: The Asn3207Asp variant in RYR2 has not been reported in individuals with cardiom yopathy, but has been identified in 1/8270 European American chromosomes by the NHLBI Exome Sequencing Project. Computational analyses (biochemical amino acid properties, homology, PolyPhen2, SIFT, AlignGV GD) do not provide strong support for or against an impact to the protein, altho ugh 2 species (frog and lamprey carry an aspartic acid (Asp; this variant) at th is position, raising the possibility that this change may be tolerated. Addition al information is needed to fully assess the clinical significance of this varia nt.

Literature cited by the submitters: PubMed 26272908 (cited by 3 submitters); PubMed 33652119 (cited by All of Us Research Program, National Institutes of Health and Color Diagnostics, LLC DBA Color Health).